The following is an entry in ClinVar:

ClinVar aggregate classification (germline): Benign/Likely benign. Review status: criteria provided, multiple submitters, no conflicts (2 of 4 stars). 3 submissions from 3 submitters: Benign (2); Likely benign (1). Last evaluated 2025-07-06.

Conditions:
Coffin-Siris syndrome. Identifiers: Orphanet 1465, MedGen C0265338, MONDO:0015452.

Allele frequency attached by ClinVar (database versions not stated): gnomAD exomes 0.00003 and 0.00004; ExAC 0.00004; gnomAD 0.00004 and 0.00005.
gnomAD v4.1: 50 of 1,614,010 alleles (0.0031%); highest among the groups gnomAD compares: Admixed American, 0.005%; no homozygotes.

Submissions (3):

Labcorp Genetics (formerly Invitae), Labcorp
Classification: Benign. Last evaluated: 2025-07-06. Review status: criteria provided, single submitter. Criteria: Invitae Variant Classification Sherloc (09022015). Collection method: clinical testing. Allele origin: germline.

Department of Pathology and Laboratory Medicine, Sinai Health System
Classification: Likely benign for Coffin-Siris syndrome. Last evaluated: 2022-02-07. Review status: criteria provided, single submitter. Criteria: ACMG Guidelines, 2015. Collection method: research. Allele origin: germline.

GeneDx
Classification: Benign. Last evaluated: 2021-03-01. Review status: criteria provided, single submitter. Criteria: GeneDx Variant Classification Process June 2021. Collection method: clinical testing. Allele origin: germline. Affected: yes.
Comment: In silico analysis, which includes protein predictors and evolutionary conservation, supports a deleterious effect; Has not been previously published as pathogenic or benign to our knowledge

NM_001374828.1(ARID1B):c.1951G>A (p.Gly651Arg)

Gene: ARID1B (AT-rich interaction domain 1B; plus strand). Cytogenetic location: 6q25.3.
Variant type: single nucleotide variant.
Coding change: c.1951G>A on transcript NM_001374828.1 (MANE Select); coding-DNA position 1951, G replaced by A.
Protein change: p.Gly651Arg; replaces glycine 651 with arginine.
Molecular consequence: missense variant.
Genome position (GRCh38, 1-based): chr6:156,829,386, G>A. VCF-style: chr6-156829386-G-A. GRCh37 (hg19) VCF-style: chr6-157150520-G-A.
Other names: c.1702G>A (NM_020732.3); c.1951G>A, p.Gly651Arg (NM_001371656.1, NM_001374820.1, NM_017519.3); short protein forms G651R.
Identifiers: ClinVar variation 1183166 (VCV001183166.6), dbSNP rs765362265, ClinGen allele CA4066851.